The following is an entry in ClinVar:

ClinVar aggregate classification (germline): Uncertain significance (1 of 4 stars; one submission).

Conditions:
Vici syndrome (VICIS). Identifiers: Orphanet 1493, MedGen C1855772, MONDO:0009452, OMIM 242840.

Allele frequency attached by ClinVar (database versions not stated): TOPMed below 0.00001; gnomAD 0.00001; gnomAD exomes 0.00001.
gnomAD v4.1: 10 of 1,613,776 alleles (0.00062%); highest among the groups gnomAD compares: Non-Finnish European, 0.000085%; no homozygotes.

Submission:

Labcorp Genetics (formerly Invitae), Labcorp
Classification: Uncertain significance for Vici syndrome. Last evaluated: 2021-08-30. Review status: criteria provided, single submitter. Criteria: Invitae Variant Classification Sherloc (09022015). Collection method: clinical testing. Allele origin: germline.
Comment: This sequence change replaces threonine with serine at codon 815 of the EPG5 protein (p.Thr815Ser). The threonine residue is moderately conserved and there is a small physicochemical difference between threonine and serine. This variant is not present in population databases (ExAC no frequency). This variant has not been reported in the literature in individuals affected with EPG5-related conditions. Algorithms developed to predict the effect of missense changes on protein structure and function are either unavailable or do not agree on the potential impact of this missense change (SIFT: "Tolerated"; PolyPhen-2: "Probably Damaging"; Align-GVGD: "Class C0"). In summary, the available evidence is currently insufficient to determine the role of this variant in disease. Therefore, it has been classified as a Variant of Uncertain Significance.

NM_020964.3(EPG5):c.2443A>T (p.Thr815Ser)

Gene: EPG5 (ectopic P-granules 5 autophagy tethering factor; minus strand). Cytogenetic location: 18q21.1.
Variant type: single nucleotide variant.
Coding change: c.2443A>T on transcript NM_020964.3 (MANE Select); coding-DNA position 2443, A replaced by T.
Protein change: p.Thr815Ser; replaces threonine 815 with serine.
Molecular consequence: missense variant.
Genome position (GRCh38, 1-based): chr18:45,928,979, T>A on the plus strand (A>T on the coding strand, the complement: EPG5 is on the minus strand). VCF-style: chr18-45928979-T-A. GRCh37 (hg19) VCF-style: chr18-43508945-T-A.
Other names: c.2443A>T, p.Thr815Ser (LRG_1234t1); short protein forms T815S.
Identifiers: ClinVar variation 648648 (VCV000648648.7), dbSNP rs944929737, ClinGen allele CA299774545.